The following is an entry in ClinVar:

ClinVar aggregate classification (germline): Likely pathogenic. Review status: criteria provided, multiple submitters, no conflicts (2 of 4 stars). 2 submissions from 2 submitters: Likely pathogenic (2). Last evaluated 2022-02-10.

Conditions:
Arrhythmogenic right ventricular cardiomyopathy (ARVD). Also called: Cardiomyopathy, ARVC; Arrhythmogenic right ventricular dysplasia; Arrhythmogenic Right Ventricular Cardiomyopathy (ARVC); Arrhythmogenic cardiomyopathy. Identifiers: Orphanet 247, MedGen C0349788, MeSH D019571, MONDO:0016587. Disease mechanism: loss of function. Inheritance: Various modes of inheritance.

Submissions (2):

GeneDx
Classification: Likely pathogenic. Last evaluated: 2022-02-10. Review status: criteria provided, single submitter. Criteria: GeneDx Variant Classification Process June 2021. Collection method: clinical testing. Allele origin: germline. Affected: yes.
Comment: Has not been previously published in association with DSG2-related disorders to our knowledge; Not observed at significant frequency in large population cohorts (gnomAD); Nonsense variant predicted to result in protein truncation or nonsense mediated decay in a gene for which loss-of-function is a known mechanism of disease; This variant is associated with the following publications: (PMID: 31638835)

Laboratory for Molecular Medicine, Mass General Brigham Personalized Medicine
Classification: Likely pathogenic for Arrhythmogenic right ventricular cardiomyopathy. Last evaluated: 2017-06-19. Review status: criteria provided, single submitter. Criteria: ACMG Guidelines, 2015. Collection method: clinical testing. Allele origin: germline. Inheritance: Autosomal unknown.
Comment: proposed classification - variant undergoing re-assessment, contact laboratory

NM_001943.5(DSG2):c.390C>A (p.Tyr130Ter)

Gene: DSG2 (desmoglein 2; plus strand). Cytogenetic location: 18q12.1.
Variant type: single nucleotide variant.
Coding change: c.390C>A on transcript NM_001943.5 (MANE Select); coding-DNA position 390, C replaced by A.
Protein change: p.Tyr130Ter; replaces tyrosine 130 with a stop codon.
Molecular consequence: nonsense.
Genome position (GRCh38, 1-based): chr18:31,521,110, C>A. VCF-style: chr18-31521110-C-A. GRCh37 (hg19) VCF-style: chr18-29101073-C-A.
Other names: short protein forms Y130*.
Identifiers: ClinVar variation 1341608 (VCV001341608.3), dbSNP rs369489095, ClinGen allele CA402131830.